The following is an entry in ClinVar:

NM_013275.6(ANKRD11):c.3836G>T (p.Ser1279Ile)

Gene: ANKRD11 (ankyrin repeat domain 11; minus strand). Cytogenetic location: 16q24.3.
Variant type: single nucleotide variant.
Coding change: c.3836G>T on transcript NM_013275.6 (MANE Select); coding-DNA position 3836, G replaced by T.
Protein change: p.Ser1279Ile; replaces serine 1279 with isoleucine.
Molecular consequence: missense variant.
Genome position (GRCh38, 1-based): chr16:89,282,706, C>A on the plus strand (G>T on the coding strand, the complement: ANKRD11 is on the minus strand). VCF-style: chr16-89282706-C-A. GRCh37 (hg19) VCF-style: chr16-89349114-C-A.
Other names: c.3836G>T, p.Ser1279Ile (NM_001256182.2, NM_001256183.2); short protein forms S1279I.
Identifiers: ClinVar variation 962601 (VCV000962601.7), dbSNP rs1319132440, ClinGen allele CA397158891.
Genomic context (GRCh38, chr16:89,282,706, plus strand): 5'-TTATCGTTGGAGTCTTCTCTGTACTCATGGAGAGCCTCTTCTTCCAACTTTTCAAGCAGG[C>A]TTTTTTCCGCGTCGGCACTTCTCGAGGACTTCCTCTCCTTGGAATGTTCTTTGTCCGACT-3'
Protein context (NP_037407.4, residues 1269-1289): KSSRSADAEK[Ser1279Ile]LLEKLEEEAL

ClinVar aggregate classification (germline): Uncertain significance (1 of 4 stars; one submission).

Conditions:
KBG syndrome (KBGS). Also called: ANKRD11-Related KBG Syndrome. Identifiers: Orphanet 2332, MedGen C0220687, MONDO:0007846, OMIM 148050.

Allele frequency attached by ClinVar (database versions not stated): gnomAD exomes below 0.00001 and 0.00001; TOPMed below 0.00001.
gnomAD v4.1: 2 of 1,614,070 alleles (0.00012%); highest among the groups gnomAD compares: Admixed American, 0.0033%; no homozygotes.

Submission:

Labcorp Genetics (formerly Invitae), Labcorp
Classification: Uncertain significance for KBG syndrome. Last evaluated: 2022-08-06. Review status: criteria provided, single submitter. Criteria: Invitae Variant Classification Sherloc (09022015). Collection method: clinical testing. Allele origin: germline.
Comment: This sequence change replaces serine, which is neutral and polar, with isoleucine, which is neutral and non-polar, at codon 1279 of the ANKRD11 protein (p.Ser1279Ile). This variant is present in population databases (no rsID available, gnomAD 0.006%). This variant has not been reported in the literature in individuals affected with ANKRD11-related conditions. ClinVar contains an entry for this variant (Variation ID: 962601). Advanced modeling of protein sequence and biophysical properties (such as structural, functional, and spatial information, amino acid conservation, physicochemical variation, residue mobility, and thermodynamic stability) performed at Invitae indicates that this missense variant is not expected to disrupt ANKRD11 protein function. In summary, the available evidence is currently insufficient to determine the role of this variant in disease. Therefore, it has been classified as a Variant of Uncertain Significance.